The following is an entry in ClinVar:

NM_000180.4(GUCY2D):c.2492T>C (p.Leu831Pro)

Gene: GUCY2D (guanylate cyclase 2D, retinal; plus strand). Cytogenetic location: 17p13.1.
Variant type: single nucleotide variant.
Coding change: c.2492T>C on transcript NM_000180.4 (MANE Select); coding-DNA position 2492, T replaced by C.
Protein change: p.Leu831Pro; replaces leucine 831 with proline.
Molecular consequence: missense variant.
Genome position (GRCh38, 1-based): chr17:8,014,680, T>C. VCF-style: chr17-8014680-T-C. GRCh37 (hg19) VCF-style: chr17-7917998-T-C.
Other names: short protein forms L831P.
Identifiers: ClinVar variation 866409 (VCV000866409.10), dbSNP rs1975925973, ClinGen allele CA397953560.
Genomic context (GRCh38, chr17:8,014,680, plus strand): 5'-GCCGGAAGACGAACATCATTGACTCGATGCTTCGGATGCTGGAGCAGTACTCTAGTAACC[T>C]GGAGGATCTGATCCGGGAGCGCACGGAGGAGCTGGAGCTGGAAAAGCAGAAGACAGACCG-3'
Protein context (NP_000171.1, residues 821-841): LRMLEQYSSN[Leu831Pro]EDLIRERTEE

ClinVar aggregate classification (germline): Conflicting classifications of pathogenicity. Review status: criteria provided, conflicting classifications (1 of 4 stars). 4 submissions from 4 submitters: Likely pathogenic (2); Uncertain significance (2). Last evaluated 2022-11-23.

Conditions:
Retinal dystrophy. Also called: Inherited retinal dystrophy. Identifiers: Orphanet 71862, MedGen C0854723, MeSH D058499, MONDO:0019118, HP:0000556.
GUCY2D-related disorders.
Cataract. Also called: cataracts; Cataract (disease). Identifiers: MedGen C0086543, MeSH D002386, MONDO:0005129, HP:0000518.
Cone-rod dystrophy 6 (CORD6). Also called: RETINAL CONE DYSTROPHY 2; Cone dystrophy progressive. Identifiers: Orphanet 1872, MedGen C1866293, MONDO:0011143, OMIM 601777.
Leber congenital amaurosis 1 (LCA1). Also called: Congenital absence of the rods and cones; Leber's congenital tapetoretinal degeneration; Leber's congenital tapetoretinal dysplasia; RETINAL BLINDNESS, CONGENITAL; AMAUROSIS CONGENITA OF LEBER I. Identifiers: Orphanet 65, MedGen C2931258, MONDO:0008764, OMIM 204000.

Submissions (4):

Blueprint Genetics
Classification: Likely pathogenic for GUCY2D-related disorders. Last evaluated: 2022-11-23. Review status: criteria provided, single submitter. Criteria: ACMG Guidelines, 2015. Collection method: clinical testing. Allele origin: germline. Affected: yes. Observed: 4 variant alleles.

Labcorp Genetics (formerly Invitae), Labcorp
Classification: Uncertain significance for Leber congenital amaurosis 1; Cone-rod dystrophy 6. Last evaluated: 2022-07-19. Review status: criteria provided, single submitter. Criteria: Invitae Variant Classification Sherloc (09022015). Collection method: clinical testing. Allele origin: germline.
Comment: In summary, the available evidence is currently insufficient to determine the role of this variant in disease. Therefore, it has been classified as a Variant of Uncertain Significance. Algorithms developed to predict the effect of missense changes on protein structure and function (SIFT, PolyPhen-2, Align-GVGD) all suggest that this variant is likely to be disruptive. ClinVar contains an entry for this variant (Variation ID: 866409). This missense change has been observed in individual(s) with clinical features of inherited retinal dystrophy (PMID: 29555955). This variant is not present in population databases (gnomAD no frequency). This sequence change replaces leucine, which is neutral and non-polar, with proline, which is neutral and non-polar, at codon 831 of the GUCY2D protein (p.Leu831Pro).

Institute of Human Genetics, Univ. Regensburg, Univ. Regensburg
Classification: Likely pathogenic for Retinal dystrophy. Last evaluated: 2020-01-01. Review status: criteria provided, single submitter. Criteria: ACMG Guidelines, 2015. Collection method: clinical testing. Allele origin: germline. Affected: yes.

Cambridge Genomics Laboratory, East Genomic Laboratory Hub, NHS Genomic Medicine Service
Classification: Uncertain significance for Cataract. Last evaluated: 2019-05-20. Review status: criteria provided, single submitter. Criteria: ACGS Best Practice Guidelines for Variant Classification in Rare Disease 2020. Collection method: clinical testing. Allele origin: germline. Affected: yes. Observed: 1 variant allele.

Literature cited by the submitters: PubMed 29555955 (cited by Labcorp Genetics (formerly Invitae), Labcorp and Institute of Human Genetics, Univ. Regensburg, Univ. Regensburg).